The following is an entry in ClinVar:

ClinVar aggregate classification (germline): Pathogenic. Review status: criteria provided, multiple submitters, no conflicts (2 of 4 stars). 2 submissions from 2 submitters: Pathogenic (2). Last evaluated 2025-11-07.

Conditions:
Charcot-Marie-Tooth disease type 2. Also called: Charcot-Marie-Tooth type 2. Identifiers: Orphanet 64746, MedGen C0270914, MONDO:0018993.
Cardiovascular phenotype. Identifiers: MedGen CN230736.

Submissions (2):

Labcorp Genetics (formerly Invitae), Labcorp
Classification: Pathogenic for Charcot-Marie-Tooth disease type 2. Last evaluated: 2025-11-07. Review status: criteria provided, single submitter. Criteria: Invitae Variant Classification Sherloc (09022015). Collection method: clinical testing. Allele origin: germline.
Comment: This sequence change creates a premature translational stop signal (p.Glu112*) in the LMNA gene. It is expected to result in an absent or disrupted protein product. Loss-of-function variants in LMNA are known to be pathogenic (PMID: 18585512, 18926329). Information on the frequency of this variant in the gnomAD database is not available, as this variant may be reported differently in the database. This variant has not been reported in the literature in individuals affected with LMNA-related conditions. ClinVar contains an entry for this variant (Variation ID: 2822974). For these reasons, this variant has been classified as Pathogenic.

Ambry Genetics
Classification: Pathogenic for Cardiovascular phenotype. Last evaluated: 2023-11-14. Review status: criteria provided, single submitter. Criteria: Ambry Variant Classification Scheme 2023. Collection method: clinical testing. Allele origin: germline.
Comment: The c.333_334delGGinsAT pathogenic mutation, located in coding exon 1 of the LMNA gene, results from an in-frame deletion of GG and insertion of AT at nucleotide positions 333 to 334. This results in the insertion of an extra glutamic acid residue that results in the generation of a stop codon at codon 112. This variant is considered to be rare based on population cohorts in the Genome Aggregation Database (gnomAD). This alteration is expected to result in loss of function by premature protein truncation or nonsense-mediated mRNA decay. As such, this alteration is interpreted as a disease-causing mutation.

Literature cited by the submitters: PubMed 18585512 (cited by Labcorp Genetics (formerly Invitae), Labcorp); PubMed 18926329 (cited by Labcorp Genetics (formerly Invitae), Labcorp).

NM_170707.4(LMNA):c.333_334delinsAT (p.Glu112Ter)

Gene: LMNA (lamin A/C; plus strand). Cytogenetic location: 1q22.
Variant type: Indel.
Coding change: c.333_334delinsAT on transcript NM_170707.4 (MANE Select); coding-DNA positions 333 to 334, GG replaced by AT.
Protein change: p.Glu112Ter; replaces glutamic acid 112 with a stop codon.
Molecular consequence: nonsense. On other transcripts: 5 prime UTR variant (8), intron variant (2).
Genome position (GRCh38, 1-based): chr1:156,115,251-156,115,252, GG replaced by AT. VCF-style: chr1-156115251-GG-AT. GRCh37 (hg19) VCF-style: chr1-156085042-GG-AT.
Other names: c.-512_-511delinsAT (NM_001406999.1); c.-332_-331delinsAT (NM_001407000.1, NM_001406994.1); c.-175_-174delinsAT (NM_001407001.1); c.-69_-68delinsAT (NM_001407002.1, NM_001406990.1, NM_001406995.1); c.333_334delinsAT, p.Glu112Ter (NM_005572.4, NM_170708.4, NM_001282625.2 and 6 more transcripts); c.-203+8428_-203+8429delinsAT (NM_001406993.1, NM_001407003.1); c.-91_-90delinsAT (NM_001406986.1); short protein forms E112*.
Identifiers: ClinVar variation 2822974 (VCV002822974.4), dbSNP rs2527834799, ClinGen allele CA2739275305.